The following is an entry in ClinVar:

NM_017654.4(SAMD9):c.1537T>C (p.Trp513Arg)

Gene: SAMD9 (sterile alpha motif domain containing 9; minus strand). Cytogenetic location: 7q21.2.
Variant type: single nucleotide variant.
Coding change: c.1537T>C on transcript NM_017654.4 (MANE Select); coding-DNA position 1537, T replaced by C.
Protein change: p.Trp513Arg; replaces tryptophan 513 with arginine.
Molecular consequence: missense variant.
Genome position (GRCh38, 1-based): chr7:93,104,561, A>G on the plus strand (T>C on the coding strand, the complement: SAMD9 is on the minus strand). VCF-style: chr7-93104561-A-G. GRCh37 (hg19) VCF-style: chr7-92733874-A-G.
Other names: c.1537T>C, p.Trp513Arg (NM_001193307.2); short protein forms W513R.
Identifiers: ClinVar variation 4827020 (VCV004827020.1).

ClinVar aggregate classification (germline): Uncertain significance (1 of 4 stars; one submission).

Conditions:
Inborn genetic diseases. Identifiers: MedGen C0950123, MeSH D030342.

gnomAD v4.1: 2 of 1,613,946 alleles (0.00012%); highest among the groups gnomAD compares: South Asian, 0.0011%; no homozygotes.

Submission:

Ambry Genetics
Classification: Uncertain significance for Inborn genetic diseases. Last evaluated: 2026-03-04. Review status: criteria provided, single submitter. Criteria: Ambry Variant Classification Scheme 2023. Collection method: clinical testing. Allele origin: germline.
Comment: The p.W513R variant (also known as c.1537T>C), located in coding exon 1 of the SAMD9 gene, results from a T to C substitution at nucleotide position 1537. The tryptophan at codon 513 is replaced by arginine, an amino acid with dissimilar properties. This amino acid position is conserved. In addition, the in silico prediction for this alteration is inconclusive. Based on the available evidence, the clinical significance of this variant remains unclear.